The following is an entry in ClinVar:

NM_017668.3(NDE1):c.724G>A (p.Gly242Arg)

Gene: NDE1 (nudE neurodevelopment protein 1; plus strand). Cytogenetic location: 16p13.11.
Variant type: single nucleotide variant.
Coding change: c.724G>A on transcript NM_017668.3 (MANE Select); coding-DNA position 724, G replaced by A.
Protein change: p.Gly242Arg; replaces glycine 242 with arginine.
Molecular consequence: missense variant.
Genome position (GRCh38, 1-based): chr16:15,694,185, G>A. VCF-style: chr16-15694185-G-A. GRCh37 (hg19) VCF-style: chr16-15788042-G-A.
Other names: c.724G>A, p.Gly242Arg (NM_001143979.2); short protein forms G242R.
Identifiers: ClinVar variation 3602419 (VCV003602419.1).

ClinVar aggregate classification (germline): Uncertain significance (1 of 4 stars; one submission).

gnomAD v4.1: 5 of 1,612,870 alleles (0.00031%); highest among the groups gnomAD compares: Middle Eastern, 0.019%; no homozygotes.

Submission:

GeneDx
Classification: Uncertain significance. Last evaluated: 2024-08-01. Review status: criteria provided, single submitter. Criteria: GeneDx Variant Classification Process June 2021. Collection method: clinical testing. Allele origin: germline. Affected: yes.
Comment: Not observed at significant frequency in large population cohorts (gnomAD); In silico analysis indicates that this missense variant does not alter protein structure/function; Has not been previously published as pathogenic or benign to our knowledge; This variant is associated with the following publications: (PMID: 21529752)